The following is an entry in ClinVar:

ClinVar aggregate classification (germline): Benign. Review status: criteria provided, multiple submitters, no conflicts (2 of 4 stars). 2 submissions from 2 submitters: Benign (2). Last evaluated 2018-01-12.

Conditions:
Stuve-Wiedemann syndrome (STWS). Also called: Stüve-Wiedemann syndrome. Identifiers: Orphanet 3206, MedGen C0796176, MONDO:0031280.

Allele frequency attached by ClinVar (database versions not stated): gnomAD 0.00804 and 0.00870; TOPMed 0.00971; gnomAD exomes 0.00145; 1000 Genomes Project 0.00719; 1000 Genomes Project 30x 0.00796.
gnomAD v4.1: 1,441 of 287,214 alleles (0.5%); highest among the groups gnomAD compares: African/African-American, 2.6%; 19 homozygotes.

Submissions (2):

Illumina Laboratory Services, Illumina
Classification: Benign for Stüve-Wiedemann syndrome 1. Last evaluated: 2018-01-12. Review status: criteria provided, single submitter. Criteria: ICSL Variant Classification Criteria 13 December 2019. Collection method: clinical testing. Allele origin: germline.
Comment: This variant was observed in the ICSL laboratory as part of a predisposition screen in an ostensibly healthy population. It had not been previously curated by ICSL or reported in the Human Gene Mutation Database (HGMD: prior to June 1st, 2018), and was therefore a candidate for classification through an automated scoring system. Utilizing variant allele frequency, disease prevalence and penetrance estimates, and inheritance mode, an automated score was calculated to assess if this variant is too frequent to cause the disease. Based on the score and internal cut-off values, a variant classified as benign is not then subjected to further curation. The score for this variant resulted in a classification of benign for this disease.

Breakthrough Genomics
Classification: Benign. Review status: criteria provided, single submitter. Criteria: ACMG Guidelines, 2015. Collection method: not provided. Allele origin: germline. Inheritance: Autosomal recessive inheritance. Affected: yes.

NM_001127671.2(LIFR):c.*394C>A

Gene: LIFR (LIF receptor subunit alpha; minus strand). Cytogenetic location: 5p13.1.
Variant type: single nucleotide variant.
Coding change: c.*394C>A on transcript NM_001127671.2 (MANE Select); 394 bases downstream of the stop codon, C replaced by A.
Molecular consequence: 3 prime UTR variant.
Genome position (GRCh38, 1-based): chr5:38,481,201, G>T on the plus strand (C>A on the coding strand, the complement: LIFR is on the minus strand). VCF-style: chr5-38481201-G-T. GRCh37 (hg19) VCF-style: chr5-38481303-G-T.
Other names: c.*394C>A (NM_001364297.2, NM_001364298.2, NM_002310.6).
Identifiers: ClinVar variation 353599 (VCV000353599.6), dbSNP rs115958115, ClinGen allele CA10621866.